The following is an entry in ClinVar:

NM_000238.4(KCNH2):c.1128+1792C>T

Gene: KCNH2 (potassium voltage-gated channel subfamily H member 2; minus strand). Cytogenetic location: 7q36.1.
Variant type: single nucleotide variant.
Coding change: c.1128+1792C>T on transcript NM_000238.4 (MANE Select); 1792 bases into the intron after coding-DNA position 1128, C replaced by T.
Molecular consequence: intron variant. On other transcripts: missense variant (2), non-coding transcript variant (1).
Genome position (GRCh38, 1-based): chr7:150,955,499, G>A on the plus strand (C>T on the coding strand, the complement: KCNH2 is on the minus strand). VCF-style: chr7-150955499-G-A. GRCh37 (hg19) VCF-style: chr7-150652587-G-A.
Other names: c.5C>T, p.Ala2Val (NM_001204798.2, NM_172057.3); c.840+1792C>T (NM_001406753.1, NM_001406756.1); c.1128+1792C>T (NM_172056.3); c.951+1792C>T (NM_001406755.1); c.828+1792C>T (NM_001406757.1); short protein forms A2V.
Identifiers: ClinVar variation 405348 (VCV000405348.8), dbSNP rs1060500667, ClinGen allele CA16612314.

ClinVar aggregate classification (germline): Uncertain significance (1 of 4 stars; one submission).

Conditions:
Long QT syndrome (LQTS). Identifiers: MedGen C0023976, MeSH D008133, MONDO:0002442. Disease mechanism: loss of function. Inheritance: Various modes of inheritance.

Allele frequency attached by ClinVar (database versions not stated): gnomAD 0.00001; gnomAD exomes 0.00001; TOPMed below 0.00001.
gnomAD v4.1: 24 of 1,545,964 alleles (0.0016%); highest among the groups gnomAD compares: South Asian, 0.0036%; no homozygotes.

Submission:

Labcorp Genetics (formerly Invitae), Labcorp
Classification: Uncertain significance for Long QT syndrome. Last evaluated: 2016-08-31. Review status: criteria provided, single submitter. Criteria: Invitae Variant Classification Sherloc (09022015). Collection method: clinical testing. Allele origin: germline.
Comment: In summary, this variant is a novel missense change with uncertain impact on protein function. It has been classified as a Variant of Uncertain Significance. Algorithms developed to predict the effect of missense changes on protein structure and function do not agree on the potential impact of this missense change (SIFT: "Tolerated"; PolyPhen-2: "Possibly Damaging"; Align-GVGD: "Class C0"). This variant is not present in population databases (ExAC no frequency) and has not been reported in the literature in individuals with a KCNH2-related disease. This sequence change replaces alanine with valine at codon 2 of the KCNH2 protein (p.Ala2Val). The alanine residue is moderately conserved and there is a small physicochemical difference between alanine and valine. The KCNH2 gene has multiple clinically relevant isoforms. The p.Ala2Val variant occurs in alternate transcript NM_172057.2, which corresponds to position c.1128+1792C>T in NM_000238.3, the primary transcript listed in the Methods.